The following is an entry in ClinVar:

ClinVar aggregate classification (germline): Uncertain significance (1 of 4 stars; one submission).

Conditions:
Hereditary cancer-predisposing syndrome. Also called: Neoplastic Syndromes, Hereditary; Tumor predisposition; Hereditary Cancer Syndrome; Hereditary neoplastic syndrome. Identifiers: Orphanet 140162, MedGen C0027672, MeSH D009386, MONDO:0015356.

Submission:

Ambry Genetics
Classification: Uncertain significance for Hereditary cancer-predisposing syndrome. Last evaluated: 2021-12-29. Review status: criteria provided, single submitter. Criteria: Ambry Variant Classification Scheme 2023. Collection method: clinical testing. Allele origin: germline.
Comment: The p.F561V variant (also known as c.1681T>G), located in coding exon 6 of the BLM gene, results from a T to G substitution at nucleotide position 1681. The phenylalanine at codon 561 is replaced by valine, an amino acid with highly similar properties. This amino acid position is conserved. In addition, this alteration is predicted to be tolerated by in silico analysis. Since supporting evidence is limited at this time, the clinical significance of this alteration remains unclear.

NM_000057.4(BLM):c.1681T>G (p.Phe561Val)

Gene: BLM (BLM RecQ like helicase; plus strand). Cytogenetic location: 15q26.1.
Variant type: single nucleotide variant.
Coding change: c.1681T>G on transcript NM_000057.4 (MANE Select); coding-DNA position 1681, T replaced by G.
Protein change: p.Phe561Val; replaces phenylalanine 561 with valine.
Molecular consequence: missense variant.
Genome position (GRCh38, 1-based): chr15:90,761,054, T>G. VCF-style: chr15-90761054-T-G. GRCh37 (hg19) VCF-style: chr15-91304284-T-G.
Other names: c.1681T>G, p.Phe561Val (NM_001287246.2, NM_001287247.2); c.556T>G, p.Phe186Val (NM_001287248.2); short protein forms F186V, F561V.
Identifiers: ClinVar variation 1777927 (VCV001777927.2), dbSNP rs1895970775, ClinGen allele CA393843603.